The following is an entry in ClinVar:

ClinVar aggregate classification (germline): Uncertain significance (1 of 4 stars; one submission).

Submission:

Labcorp Genetics (formerly Invitae), Labcorp
Classification: Uncertain significance. Last evaluated: 2024-10-28. Review status: criteria provided, single submitter. Criteria: Invitae Variant Classification Sherloc (09022015). Collection method: clinical testing. Allele origin: germline.
Comment: This sequence change creates a premature translational stop signal (p.Tyr164Metfs*9) in the RNF13 gene. It is expected to result in an absent or disrupted protein product. However, the current clinical and genetic evidence is not sufficient to establish whether loss-of-function variants in RNF13 cause disease. This variant is not present in population databases (gnomAD no frequency). This variant has not been reported in the literature in individuals affected with RNF13-related conditions. In summary, the available evidence is currently insufficient to determine the role of this variant in disease. Therefore, it has been classified as a Variant of Uncertain Significance.

NM_183381.3(RNF13):c.489del (p.Tyr164fs)

Gene: RNF13 (ring finger protein 13; plus strand). Cytogenetic location: 3q25.1.
Variant type: Deletion.
Coding change: c.489del on transcript NM_183381.3 (MANE Select); coding-DNA position 489, one base deleted (A; older notation c.489delA).
Protein change: p.Tyr164fs; shifts the reading frame from tyrosine 164.
Molecular consequence: frameshift variant. On other transcripts: non-coding transcript variant (1).
Genome position (GRCh38, 1-based): chr3:149,902,151, A deleted. VCF-style (leftmost placement, unchanged base first): chr3-149902150-CA-C. GRCh37 (hg19) VCF-style: chr3-149619937-CA-C.
Other names: c.489del, p.Tyr164fs (NM_001378285.1, NM_001378286.1, NM_007282.4); c.132del, p.Tyr45fs (NM_001378287.1, NM_001378288.1, NM_001378289.1 and 2 more transcripts); c.96del, p.Tyr33fs (NM_001378291.1); short protein forms Y33fs, Y45fs, Y164fs.
Identifiers: ClinVar variation 3723994 (VCV003723994.2).